The following is an entry in ClinVar:

NM_000238.4(KCNH2):c.1132_1133del (p.Leu378fs)

Gene: KCNH2 (potassium voltage-gated channel subfamily H member 2; minus strand). Cytogenetic location: 7q36.1.
Variant type: Deletion.
Coding change: c.1132_1133del on transcript NM_000238.4 (MANE Select); coding-DNA positions 1132 to 1133, 2 bases deleted (CT; older notation c.1132_1133delCT).
Protein change: p.Leu378fs; shifts the reading frame from leucine 378.
Molecular consequence: frameshift variant.
Genome position (GRCh38, 1-based): chr7:150,952,849-150,952,850, AG deleted on the plus strand (CT on the coding strand, the reverse complement: KCNH2 is on the minus strand). VCF-style (leftmost placement, unchanged base first): chr7-150952848-CAG-C. GRCh37 (hg19) VCF-style: chr7-150649936-CAG-C.
Other names: c.112_113del, p.Leu38fs (NM_001204798.2, NM_172057.3); c.844_845delCT, p.Leu282Valfs (NM_001406753.1, NM_001406756.1); c.955_956delCT, p.Leu319Valfs (NM_001406755.1); c.832_833delCT, p.Leu278Valfs (NM_001406757.1); c.1132_1133delCT, p.Leu378Valfs (NM_172056.3); short protein forms L378fs, L38fs.
Identifiers: ClinVar variation 565724 (VCV000565724.8), dbSNP rs1563161565, ClinGen allele CA891842887.

ClinVar aggregate classification (germline): Pathogenic (1 of 4 stars; one submission).

Conditions:
Long QT syndrome (LQTS). Identifiers: MedGen C0023976, MeSH D008133, MONDO:0002442. Disease mechanism: loss of function. Inheritance: Various modes of inheritance.

Submission:

Labcorp Genetics (formerly Invitae), Labcorp
Classification: Pathogenic for Long QT syndrome. Last evaluated: 2018-06-26. Review status: criteria provided, single submitter. Criteria: Invitae Variant Classification Sherloc (09022015). Collection method: clinical testing. Allele origin: germline.
Comment: This sequence change creates a premature translational stop signal (p.Leu378Valfs*9) in the KCNH2 gene. It is expected to result in an absent or disrupted protein product. This variant is not present in population databases (ExAC no frequency). This variant has not been reported in the literature in individuals with KCNH2-related disease. Loss-of-function variants in KCNH2 are known to be pathogenic (PMID: 19862833). For these reasons, this variant has been classified as Pathogenic.

Literature cited by the submitters: PubMed 19862833.